The following is an entry in ClinVar:

NM_004360.5(CDH1):c.687+5G>A

Gene: CDH1 (cadherin 1; plus strand). Cytogenetic location: 16q22.1.
Variant type: single nucleotide variant.
Coding change: c.687+5G>A on transcript NM_004360.5 (MANE Select); 5 bases into the intron after coding-DNA position 687, G replaced by A.
Molecular consequence: intron variant.
Genome position (GRCh38, 1-based): chr16:68,808,853, G>A. VCF-style: chr16-68808853-G-A. GRCh37 (hg19) VCF-style: chr16-68842756-G-A.
Other names: c.-929+5G>A (NM_001317185.2); c.-1133+5G>A (NM_001317186.2); c.687+5G>A (NM_001317184.2).
Identifiers: ClinVar variation 924586 (VCV000924586.15), dbSNP rs786202423, ClinGen allele CA913188764.

ClinVar aggregate classification (germline): Uncertain significance. Review status: criteria provided, multiple submitters, no conflicts (2 of 4 stars). 4 submissions from 4 submitters: Uncertain significance (4). Last evaluated 2026-02-03.

Conditions:
Hereditary cancer-predisposing syndrome. Also called: Tumor predisposition; Hereditary neoplastic syndrome; Hereditary Cancer Syndrome; Neoplastic Syndromes, Hereditary. Identifiers: Orphanet 140162, MedGen C0027672, MeSH D009386, MONDO:0015356.
Hereditary diffuse gastric adenocarcinoma (HDGC). Also called: DIFFUSE GASTRIC AND LOBULAR BREAST CANCER SYNDROME. Identifiers: Orphanet 26106, MedGen C1708349, MONDO:0007648, OMIM 137215.

Submissions (4):

Ambry Genetics
Classification: Uncertain significance for Hereditary cancer-predisposing syndrome. Last evaluated: 2026-02-03. Review status: criteria provided, single submitter. Criteria: Ambry Variant Classification Scheme 2023. Collection method: clinical testing. Allele origin: germline.
Comment: The c.687+5G>A intronic variant results from a G to A substitution 5 nucleotides after coding exon 5 in the CDH1 gene. This nucleotide position is highly conserved in available vertebrate species. In silico splice site analysis predicts that this alteration will result in the creation or strengthening of a novel splice donor site. Based on the available evidence, the clinical significance of this variant remains unclear.

Labcorp Genetics (formerly Invitae), Labcorp
Classification: Uncertain significance for Hereditary diffuse gastric adenocarcinoma. Last evaluated: 2024-03-06. Review status: criteria provided, single submitter. Criteria: Invitae Variant Classification Sherloc (09022015). Collection method: clinical testing. Allele origin: germline.
Comment: This sequence change falls in intron 5 of the CDH1 gene. It does not directly change the encoded amino acid sequence of the CDH1 protein. It affects a nucleotide within the consensus splice site. This variant is not present in population databases (gnomAD no frequency). This variant has not been reported in the literature in individuals affected with CDH1-related conditions. ClinVar contains an entry for this variant (Variation ID: 924586). Variants that disrupt the consensus splice site are a relatively common cause of aberrant splicing (PMID: 17576681, 9536098). Algorithms developed to predict the effect of sequence changes on RNA splicing suggest that this variant may disrupt the consensus splice site. In summary, the available evidence is currently insufficient to determine the role of this variant in disease. Therefore, it has been classified as a Variant of Uncertain Significance.

Color Diagnostics, LLC DBA Color Health
Classification: Uncertain significance for Hereditary cancer-predisposing syndrome. Last evaluated: 2022-08-30. Review status: criteria provided, single submitter. Criteria: ACMG Guidelines, 2015. Collection method: clinical testing. Allele origin: germline.
Comment: This variant causes a G to A nucleotide substitution at the +5 position of intron 5 of the CDH1 gene. Splice site prediction tools predict that this variant may have a significant impact on RNA splicing. This prediction has not been confirmed in published RNA studies. This variant has not been reported in individuals affected with hereditary cancer in the literature. This variant has not been identified in the general population by the Genome Aggregation Database (gnomAD). The available evidence is insufficient to determine the role of this variant in disease conclusively. Therefore, this variant is classified as a Variant of Uncertain Significance.

GeneDx
Classification: Uncertain significance. Last evaluated: 2020-03-17. Review status: criteria provided, single submitter. Criteria: GeneDx Variant Classification Process June 2021. Collection method: clinical testing. Allele origin: germline. Affected: yes.
Comment: Not observed in large population cohorts (Lek 2016); Intronic +5 splice site variant predicted to result in abnormal splicing leading to an in-frame deletion of exon 5; Has not been previously published as pathogenic or benign to our knowledge

Literature cited by the submitters: PubMed 17576681 (cited by Labcorp Genetics (formerly Invitae), Labcorp); PubMed 9536098 (cited by Labcorp Genetics (formerly Invitae), Labcorp).